The following is an entry in ClinVar:

ClinVar aggregate classification (germline): Pathogenic/Likely pathogenic. Review status: criteria provided, multiple submitters, no conflicts (2 of 4 stars). 6 submissions from 6 submitters: Pathogenic (1); Likely pathogenic (5). Last evaluated 2026-10-01.

Conditions:
Cardiovascular phenotype. Identifiers: MedGen CN230736.
Tibial muscular dystrophy (TMD). Also called: UDD MYOPATHY; Udd Distal Myopathy – Tibial Muscular Dystrophy; Tibial muscular dystrophy, tardive. Identifiers: Orphanet 609, MedGen C1838244, MONDO:0010870, OMIM 600334.
Early-onset myopathy with fatal cardiomyopathy (CMYO5). Also called: CONGENITAL MYOPATHY 5 WITH CARDIOMYOPATHY; Salih Myopathy. Identifiers: Orphanet 289377, MedGen C2673677, MONDO:0012714, OMIM 611705. Disease mechanism: loss of function.
Hypertrophic cardiomyopathy 9. Also called: Familial hypertrophic cardiomyopathy 9. Identifiers: MedGen C1861065, MONDO:0013412, OMIM 613765.
Myopathy, myofibrillar, 9, with early respiratory failure (MFM9). Also called: MYOPATHY, PROXIMAL, WITH EARLY RESPIRATORY MUSCLE INVOLVEMENT; Hereditary myopathy with early respiratory failure; EDSTROM MYOPATHY; Myopathy, distal, with early respiratory failure, autosomal dominant. Identifiers: Orphanet 178464, Orphanet 34521, MedGen C1863599, MONDO:0011362, OMIM 603689.
Dilated cardiomyopathy 1G (CMD1G). Identifiers: Orphanet 154, MedGen C1858763, MONDO:0011400, OMIM 604145.
Autosomal recessive limb-girdle muscular dystrophy type 2J (LGMDR10). Also called: Limb-girdle muscular dystrophy, type 2J; MUSCULAR DYSTROPHY, LIMB-GIRDLE, AUTOSOMAL RECESSIVE 10. Identifiers: Orphanet 140922, MedGen C1837342, MONDO:0012127, OMIM 608807.
Primary dilated cardiomyopathy (DCM). Also called: Dilated Cardiomyopathy. Identifiers: Orphanet 217604, MedGen C0007193, MeSH D002311, MONDO:0005021, HP:0001644. Inheritance: Various modes of inheritance.

Submissions (6):

GeneDx
Classification: Likely pathogenic. Last evaluated: 2026-10-01. Review status: criteria provided, single submitter. Criteria: GeneDx Variant Classification Process June 2021. Collection method: clinical testing. Allele origin: germline.
Comment: Nonsense variant predicted to result in protein truncation or nonsense mediated decay in a gene for which loss of function is a known mechanism of disease; Located in the A-band, a region of TTN for which truncating variants are significantly associated with autosomal dominant cardiomyopathy and also with autosomal recessive skeletal myopathies (PMID: 22335739, 32778822); Not observed at significant frequency in large population cohorts (gnomAD); This variant is associated with the following publications: (PMID: 25589632, 37652022, 38438525, 22335739, 32778822, 31983221, 29773157)

Ambry Genetics
Classification: Likely pathogenic for Cardiovascular phenotype. Last evaluated: 2026-03-27. Review status: criteria provided, single submitter. Criteria: Ambry Variant Classification Scheme 2023. Collection method: clinical testing. Allele origin: germline.
Comment: The c.20502C>A (p.C6834*) alteration, located in exon 82 (coding exon 81) of the TTN gene, consists of a C to A substitution at nucleotide position 20502. This changes the amino acid from a cysteine (C) to a stop codon at amino acid position 6834. This alteration is expected to result in loss of function by premature protein truncation or nonsense-mediated mRNA decay. This variant was not reported in population-based cohorts in the Genome Aggregation Database (gnomAD). This variant (referred to as NM_001267550.1:c.47697C>A, p.C15899X) has been reported in an individual in a dilated cardiomyopathy (DCM) cohort, but clinical details were limited (Roberts, 2015). While truncating variants in TTN are present in 1-3% of the general population, truncating variants in the A-band are the most common cause of DCM (Herman, 2012; Roberts, 2015). TTN truncating variants encoded in constitutive exons (PSI >90%) have been found to be significantly associated with DCM regardless of their position in titin (Schafer, 2017). This exon is located in the A-band region of the N2-B isoform of the titin protein and is constitutively expressed in TTN transcripts (percent spliced in or PSI 100%). Based on the available evidence, this alteration is classified as likely pathogenic.

Variantyx, Inc.
Classification: Pathogenic for Dilated cardiomyopathy 1G. Last evaluated: 2026-01-13. Review status: criteria provided, single submitter. Criteria: Variantyx Assertion Criteria 2022. Collection method: clinical testing. Allele origin: germline. Inheritance: Autosomal dominant inheritance. Affected: yes.
Comment: This is a nonsense variant in the TTN gene (OMIM: 188840). Pathogenic variants in this gene have been associated with autosomal dominant dilated cardiomyopathy (DCM) 1G. This variant introduces a premature termination codon in exon 254 out of 363. It localizes to the A-band region of titin (PSI=100%) and is expected to result in loss of function. Loss of function variants in constitutively expressed exons (PSI>90%) are significantly associated with DCM regardless of their position in titin (PMID: 27869827, 32964742, 27869827) (PVS1). This variant has been reported in multiple unrelated individuals with DCM (PMID: 25589632, 37652022, 31983221, 29773157) (PS4_Moderate), while it is absent from control populations (PM2). Based on the current evidence, this variant is classified as pathogenic for autosomal dominant dilated cardiomyopathy 1G.

Labcorp Genetics (formerly Invitae), Labcorp
Classification: Likely pathogenic for Dilated cardiomyopathy 1G; Autosomal recessive limb-girdle muscular dystrophy type 2J. Last evaluated: 2025-05-05. Review status: criteria provided, single submitter. Criteria: Invitae Variant Classification Sherloc (09022015). Collection method: clinical testing. Allele origin: germline.
Comment: This sequence change creates a premature translational stop signal (p.Cys15899*) in the TTN gene. While this is not anticipated to result in nonsense mediated decay, it is expected to create a truncated TTN protein. This variant is not present in population databases (gnomAD no frequency). This premature translational stop signal has been observed in individual(s) with dilated cardiomyopathy (PMID: 25589632, 37652022). ClinVar contains an entry for this variant (Variation ID: 223277). This variant is located in the A band of TTN (PMID: 25589632). Truncating variants in this region are significantly overrepresented in patients affected with dilated cardiomyopathy (PMID: 25589632). Truncating variants in this region have also been reported in individuals affected with autosomal recessive centronuclear myopathy (PMID: 23975875). In summary, the currently available evidence indicates that the variant is pathogenic, but additional data are needed to prove that conclusively. Therefore, this variant has been classified as Likely Pathogenic.

Fulgent Genetics
Classification: Likely pathogenic for Tibial muscular dystrophy; Myopathy, myofibrillar, 9, with early respiratory failure; Dilated cardiomyopathy 1G; Autosomal recessive limb-girdle muscular dystrophy type 2J; Early-onset myopathy with fatal cardiomyopathy; Hypertrophic cardiomyopathy 9. Last evaluated: 2021-11-06. Review status: criteria provided, single submitter. Criteria: ACMG Guidelines, 2015. Collection method: clinical testing. Allele origin: unknown.

Cardiovascular Biomedical Research Unit, Royal Brompton & Harefield NHS Foundation Trust
Classification: Likely pathogenic for Primary dilated cardiomyopathy. Last evaluated: 2014-10-08. Review status: criteria provided, single submitter. Criteria: Roberts et al. 2015. Collection method: research. Allele origin: germline. Inheritance: Autosomal dominant inheritance. Affected: yes. Observed: 1 variant allele. Study: Unselected DCM.
Comment: In the seven cohorts assessed, TTNtv were found in 14% of ambulant DCM, 22% end-stage or familial DCM, and 2% controls. Heterozygous nonsense, frameshift and canonical splice-disrupting variants found in constitutive and other highly utilised exons are highly likely to be pathogenic when identified in individuals with phenotypically confirmed DCM. TTNtv found incidentally in healthy individuals (excluding familial assessment of DCM relatives) are thought to have low penetrance, particularly when identified in exons that are not constitutively expressed in the heart.

Literature cited by the submitters: PubMed 22335739 (cited by Ambry Genetics); PubMed 25589632 (cited by 3 submitters); PubMed 27869827 (cited by Ambry Genetics); PubMed 37652022 (cited by Variantyx, Inc. and Labcorp Genetics (formerly Invitae), Labcorp); PubMed 31983221 (cited by Variantyx, Inc.); PubMed 29773157 (cited by Variantyx, Inc.); PubMed 39838281 (cited by Variantyx, Inc.); PubMed 38438525 (cited by Variantyx, Inc.); PubMed 23975875 (cited by Labcorp Genetics (formerly Invitae), Labcorp).

NM_001267550.2(TTN):c.47697C>A (p.Cys15899Ter)

Genes: TTN (titin; minus strand), TTN-AS1 (TTN antisense RNA 1; plus strand). Cytogenetic location: 2q31.2.
Variant type: single nucleotide variant.
Coding change: c.47697C>A on transcript NM_001267550.2 (MANE Select); coding-DNA position 47697, C replaced by A.
Protein change: p.Cys15899Ter; replaces cysteine 15899 with a stop codon.
Molecular consequence: nonsense.
Genome position (GRCh38, 1-based): chr2:178,617,388, G>T on the plus strand (C>A on the coding strand, the complement: TTN is on the minus strand). VCF-style: chr2-178617388-G-T. GRCh37 (hg19) VCF-style: chr2-179482115-G-T.
Other names: c.47697C>A (LRG_391t1, NM_001267550.1); c.42774C>A, p.Cys14258Ter (NM_001256850.1); c.20502C>A, p.Cys6834Ter (NM_003319.4); c.39993C>A, p.Cys13331Ter (NM_133378.4); c.20877C>A, p.Cys6959Ter (NM_133432.3); c.21078C>A, p.Cys7026Ter (NM_133437.4); short protein forms C15899*, C6959*, C13331*, C14258*, C6834*, C7026*.
Identifiers: ClinVar variation 223277 (VCV000223277.18), dbSNP rs373040154, ClinGen allele CA090034.